The following is an entry in ClinVar:

NM_015338.6(ASXL1):c.2869A>G (p.Thr957Ala)

Gene: ASXL1 (ASXL transcriptional regulator 1; plus strand). Cytogenetic location: 20q11.21.
Variant type: single nucleotide variant.
Coding change: c.2869A>G on transcript NM_015338.6 (MANE Select); coding-DNA position 2869, A replaced by G.
Protein change: p.Thr957Ala; replaces threonine 957 with alanine.
Molecular consequence: missense variant.
Genome position (GRCh38, 1-based): chr20:32,435,581, A>G. VCF-style: chr20-32435581-A-G. GRCh37 (hg19) VCF-style: chr20-31023384-A-G.
Other names: c.2686A>G, p.Thr896Ala (NM_001363734.1); short protein forms T957A, T896A.
Identifiers: ClinVar variation 4827432 (VCV004827432.2).

ClinVar aggregate classification (germline): Uncertain significance. Review status: criteria provided, multiple submitters, no conflicts (2 of 4 stars). 2 submissions from 2 submitters: Uncertain significance (2). Last evaluated 2026-06-02.

Conditions:
Inborn genetic diseases. Identifiers: MedGen C0950123, MeSH D030342.

gnomAD v4.1: 2 of 1,613,984 alleles (0.00012%); highest among the groups gnomAD compares: Admixed American, 0.0033%; no homozygotes.

Submissions (2):

Women's Health and Genetics/Laboratory Corporation of America, LabCorp
Classification: Uncertain significance. Last evaluated: 2026-06-02. Review status: criteria provided, single submitter. Criteria: LabCorp Variant Classification Summary - May 2015. Collection method: clinical testing. Allele origin: germline.
Comment: Variant summary: ASXL1 c.2869A>G (p.Thr957Ala) results in a non-conservative amino acid change in the encoded protein sequence. Algorithms developed to predict the effect of missense changes on protein structure and function are either unavailable or do not agree on the potential impact of this missense change. The variant allele was found at a frequency of 4e-06 in 251404 control chromosomes. The available data on variant occurrences in the general population are insufficient to allow any conclusion about variant significance. To our knowledge, no occurrence of c.2869A>G in individuals affected with ASXL1-related conditions and no experimental evidence demonstrating its impact on protein function have been reported. ClinVar contains an entry for this variant (Variation ID: 4827432). Based on the evidence outlined above, the variant was classified as uncertain significance.

Ambry Genetics
Classification: Uncertain significance for Inborn genetic diseases. Last evaluated: 2026-03-11. Review status: criteria provided, single submitter. Criteria: Ambry Variant Classification Scheme 2023. Collection method: clinical testing. Allele origin: germline.
Comment: The p.T957A variant (also known as c.2869A>G), located in coding exon 13 of the ASXL1 gene, results from an A to G substitution at nucleotide position 2869. The threonine at codon 957 is replaced by alanine, an amino acid with similar properties. This amino acid position is conserved. In addition, this alteration is predicted to be tolerated by in silico analysis. Based on the available evidence, the clinical significance of this variant remains unclear.